The following is an entry in ClinVar:

NM_194277.3(FRMD7):c.425T>G (p.Leu142Arg)

Gene: FRMD7 (FERM domain containing 7; minus strand). Cytogenetic location: Xq26.2.
Variant type: single nucleotide variant.
Coding change: c.425T>G on transcript NM_194277.3 (MANE Select); coding-DNA position 425, T replaced by G.
Protein change: p.Leu142Arg; replaces leucine 142 with arginine.
Molecular consequence: missense variant.
Genome position (GRCh38, 1-based): chrX:132,085,992, A>C on the plus strand (T>G on the coding strand, the complement: FRMD7 is on the minus strand). VCF-style: chrX-132085992-A-C. GRCh37 (hg19) VCF-style: chrX-131220020-A-C.
Other names: c.380T>G, p.Leu127Arg (NM_001306193.2); c.425T>G (NM_194277.2); short protein forms L142R, L127R.
Identifiers: ClinVar variation 10788 (VCV000010788.14), dbSNP rs137852211, ClinGen allele CA255547.

ClinVar aggregate classification (germline): Pathogenic/Likely pathogenic. Review status: criteria provided, multiple submitters, no conflicts (2 of 4 stars). 5 submissions from 5 submitters: Pathogenic (2); Likely pathogenic (2). 1 of the submissions does not count toward it. Last evaluated 2025-07-29.

Conditions:
FRMD7-related disorders.
Nystagmus 1, congenital, X-linked. Also called: NYSTAGMUS, INFANTILE PERIODIC ALTERNATING, X-LINKED; FRMD7-Related Infantile Nystagmus; NYSTAGMUS, INFANTILE IDIOPATHIC; NYSTAGMUS 1, INFANTILE, X-LINKED; NYSTAGMUS, CONGENITAL MOTOR, 1. Identifiers: MedGen C1839580, MONDO:0010693, OMIM 310700.

Allele frequency attached by ClinVar (database versions not stated): gnomAD exomes below 0.00001 and 0.00001.
gnomAD v4.1: 1 of 1,204,147 alleles (0.000083%); highest among the groups gnomAD compares: Non-Finnish European, 0.00011%; no homozygotes.

Submissions (5):

Labcorp Genetics (formerly Invitae), Labcorp
Classification: Pathogenic. Last evaluated: 2025-07-29. Review status: criteria provided, single submitter. Criteria: Invitae Variant Classification Sherloc (09022015). Collection method: clinical testing. Allele origin: germline.
Comment: This sequence change replaces leucine, which is neutral and non-polar, with arginine, which is basic and polar, at codon 142 of the FRMD7 protein (p.Leu142Arg). This variant is present in population databases (rs137852211, gnomAD 0.001%). This missense change has been observed in individual(s) with X-linked congenital nystagmus (PMID: 17013395, 18087240). It has also been observed to segregate with disease in related individuals. ClinVar contains an entry for this variant (Variation ID: 10788). An algorithm developed to predict the effect of missense changes on protein structure and function (PolyPhen-2) suggests that this variant is likely to be disruptive. For these reasons, this variant has been classified as Pathogenic.

GeneDx
Classification: Likely pathogenic. Last evaluated: 2024-09-25. Review status: criteria provided, single submitter. Criteria: GeneDx Variant Classification Process June 2021. Collection method: clinical testing. Allele origin: germline. Affected: yes.
Comment: In silico analysis supports that this missense variant has a deleterious effect on protein structure/function; This variant is associated with the following publications: (PMID: 21904664, 18087240, 17013395)

Clinical Genomics Laboratory, Washington University in St. Louis
Classification: Likely pathogenic for Nystagmus 1, congenital, X-linked. Last evaluated: 2023-08-02. Review status: criteria provided, single submitter. Criteria: ACMG Guidelines, 2015. Collection method: clinical testing. Allele origin: germline. Affected: yes.
Comment: The FRMD7 c.425T>G (p.Leu142Arg) variant has been reported in three unrelated families affected with nystagmus, and is reported to segregate with disease in two of these families (Tarpey P et al., PMID: 17013395; Shiels A et al., PMID: 18087240). This variant is only observed on 1/183,350 alleles in the general population (gnomAD v.2.1.1), indicating it is not a common variant. Computational predictors suggest that the variant is damaging, evidence that correlates with impact to FRMD7 function. This variant has been submitted to ClinVar as pathogenic by one laboratory (Variation ID: 10788). Based on available information, and based on ACMG/AMP guidelines for variant interpretation (Richards S et al., PMID: 25741868), this variant is classified as likely pathogenic.

Blueprint Genetics
Classification: Pathogenic for FRMD7-related disorders. Last evaluated: 2022-09-02. Review status: criteria provided, single submitter. Criteria: ACMG Guidelines, 2015. Collection method: clinical testing. Allele origin: germline. Affected: yes. Observed: 2 variant alleles.

OMIM
Classification: Pathogenic for NYSTAGMUS 1, CONGENITAL, X-LINKED. Last evaluated: 2007-11-29. Review status: no assertion criteria provided. Collection method: literature only. Allele origin: germline. Not counted in ClinVar's aggregate classification.

Literature cited by the submitters: PubMed 17013395 (cited by Labcorp Genetics (formerly Invitae), Labcorp and OMIM); PubMed 18087240 (cited by Labcorp Genetics (formerly Invitae), Labcorp and OMIM).